The following is an entry in ClinVar:

ClinVar aggregate classification (germline): Conflicting classifications of pathogenicity. Review status: criteria provided, conflicting classifications (1 of 4 stars). 4 submissions from 4 submitters: Pathogenic (1); Uncertain significance (3). Last evaluated 2025-09-17.

Conditions:
Hereditary cancer-predisposing syndrome. Also called: Hereditary Cancer Syndrome; Neoplastic Syndromes, Hereditary; Hereditary neoplastic syndrome; Tumor predisposition. Identifiers: Orphanet 140162, MedGen C0027672, MeSH D009386, MONDO:0015356.
Cardiovascular phenotype. Identifiers: MedGen CN230736.
Neurofibromatosis, type 1 (NF1). Also called: Peripheral type neurofibromatosis; NEUROFIBROMATOSIS, TYPE I, SOMATIC; Neurofibromatosis, type I; VON RECKLINGHAUSEN DISEASE. Identifiers: Orphanet 636, MedGen C0027831, MONDO:0018975, OMIM 162200. Disease mechanism: loss of function.

Submissions (4):

Labcorp Genetics (formerly Invitae), Labcorp
Classification: Pathogenic for Neurofibromatosis, type 1. Last evaluated: 2025-09-17. Review status: criteria provided, single submitter. Criteria: Invitae Variant Classification Sherloc (09022015). Collection method: clinical testing. Allele origin: germline.
Comment: This sequence change replaces asparagine, which is neutral and polar, with threonine, which is neutral and polar, at codon 1883 of the NF1 protein (p.Asn1883Thr). This variant is not present in population databases (gnomAD no frequency). This missense change has been observed in individual(s) with clinical features of neurofibromatosis-Noonan syndrome (internal data). In at least one individual the variant was observed to be de novo. ClinVar contains an entry for this variant (Variation ID: 803368). Invitae Evidence Modeling of protein sequence and biophysical properties (such as structural, functional, and spatial information, amino acid conservation, physicochemical variation, residue mobility, and thermodynamic stability) indicates that this missense variant is expected to disrupt NF1 protein function with a positive predictive value of 95%. For these reasons, this variant has been classified as Pathogenic.

Ambry Genetics
Classification: Uncertain significance for Cardiovascular phenotype; Hereditary cancer-predisposing syndrome. Last evaluated: 2023-06-27. Review status: criteria provided, single submitter. Criteria: Ambry Variant Classification Scheme 2023. Collection method: clinical testing. Allele origin: germline.
Comment: The p.N1883T variant (also known as c.5648A>C), located in coding exon 38 of the NF1 gene, results from an A to C substitution at nucleotide position 5648. The asparagine at codon 1883 is replaced by threonine, an amino acid with similar properties. This alteration was identified amongst a cohort of 1985 patients with a clinical diagnosis or symptoms of NF1 (van Minkelen R et al. Clin Genet, 2014 Apr;85:318-27). This amino acid position is highly conserved in available vertebrate species. In addition, the in silico prediction for this alteration is inconclusive. Since supporting evidence is limited at this time, the clinical significance of this alteration remains unclear.

GeneDx
Classification: Uncertain significance. Last evaluated: 2020-06-09. Review status: criteria provided, single submitter. Criteria: GeneDx Variant Classification Process June 2021. Collection method: clinical testing. Allele origin: germline. Affected: yes.
Comment: Not observed in large population cohorts (Lek et al., 2016); In silico analysis supports that this missense variant has a deleterious effect on protein structure/function; Has not been previously published as pathogenic or benign to our knowledge; This variant is associated with the following publications: (PMID: 23656349)

Mendelics
Classification: Uncertain significance for Neurofibromatosis, type 1. Last evaluated: 2019-05-28. Review status: criteria provided, single submitter. Criteria: Mendelics Assertion Criteria 2017. Collection method: clinical testing. Allele origin: unknown.

NM_001042492.3(NF1):c.5711A>C (p.Asn1904Thr)

Gene: NF1 (neurofibromin 1; plus strand). Cytogenetic location: 17q11.2.
Variant type: single nucleotide variant.
Coding change: c.5711A>C on transcript NM_001042492.3 (MANE Select); coding-DNA position 5711, A replaced by C.
Protein change: p.Asn1904Thr; replaces asparagine 1904 with threonine.
Molecular consequence: missense variant.
Genome position (GRCh38, 1-based): chr17:31,330,397, A>C. VCF-style: chr17-31330397-A-C. GRCh37 (hg19) VCF-style: chr17-29657415-A-C.
Other names: c.5648A>C, p.Asn1883Thr (NM_000267.4); short protein forms N1883T, N1904T.
Identifiers: ClinVar variation 803368 (VCV000803368.13), dbSNP rs864622647, ClinGen allele CA399010309.